The following is an entry in ClinVar:

NM_022437.3(ABCG8):c.1617C>T (p.Val539=)

Gene: ABCG8 (ATP binding cassette subfamily G member 8; plus strand). Cytogenetic location: 2p21.
Variant type: single nucleotide variant.
Coding change: c.1617C>T on transcript NM_022437.3 (MANE Select); coding-DNA position 1617, C replaced by T.
Protein change: p.Val539=; no amino-acid change (valine 539 retained).
Molecular consequence: synonymous variant.
Genome position (GRCh38, 1-based): chr2:43,875,274, C>T. VCF-style: chr2-43875274-C-T. GRCh37 (hg19) VCF-style: chr2-44102413-C-T.
Other names: c.1614C>T, p.Val538= (NM_001357321.2).
Identifiers: ClinVar variation 4812268 (VCV004812268.1).
Genomic context (GRCh38, chr2:43,875,274, plus strand): 5'-CAACCTGAGGCCAGGCCTCCAGCCCTTCCTGCTGCACTTCCTGCTGGTGTGGCTGGTGGT[C>T]TTCTGTTGCAGGATTATGGCCCTGGCCGCCGCGGCCCTGCTCCCCACCTTCCACATGGCC-3'
Protein context (NP_071882.1, residues 529-549): LLHFLLVWLV[Val539=]FCCRIMALAA

ClinVar aggregate classification (germline): Uncertain significance (1 of 4 stars; one submission).

Submission:

Labcorp Genetics (formerly Invitae), Labcorp
Classification: Uncertain significance. Last evaluated: 2025-08-03. Review status: criteria provided, single submitter. Criteria: Invitae Variant Classification Sherloc (09022015). Collection method: clinical testing. Allele origin: germline.
Comment: This sequence change affects codon 539 of the ABCG8 mRNA. It is a 'silent' change, meaning that it does not change the encoded amino acid sequence of the ABCG8 protein. This variant is not present in population databases (gnomAD no frequency). This variant has not been reported in the literature in individuals affected with ABCG8-related conditions. Algorithms developed to predict the effect of sequence changes on RNA splicing suggest that this variant may create or strengthen a splice site. In summary, the available evidence is currently insufficient to determine the role of this variant in disease. Therefore, it has been classified as a Variant of Uncertain Significance.